The following is an entry in ClinVar:

ClinVar aggregate classification (germline): Uncertain significance (1 of 4 stars; one submission).

Conditions:
Hereditary cancer-predisposing syndrome. Also called: Neoplastic Syndromes, Hereditary; Tumor predisposition; Hereditary Cancer Syndrome; Hereditary neoplastic syndrome. Identifiers: Orphanet 140162, MedGen C0027672, MeSH D009386, MONDO:0015356.

Submission:

Ambry Genetics
Classification: Uncertain significance for Hereditary cancer-predisposing syndrome. Last evaluated: 2022-09-10. Review status: criteria provided, single submitter. Criteria: Ambry Variant Classification Scheme 2023. Collection method: clinical testing. Allele origin: germline.
Comment: The p.I7F variant (also known as c.19A>T), located in coding exon 1 of the MAX gene, results from an A to T substitution at nucleotide position 19. The isoleucine at codon 7 is replaced by phenylalanine, an amino acid with highly similar properties. This amino acid position is conserved. In addition, this alteration is predicted to be deleterious by in silico analysis. Since supporting evidence is limited at this time, the clinical significance of this alteration remains unclear.

NM_002382.5(MAX):c.19A>T (p.Ile7Phe)

Genes: MAX (MYC associated transcriptional regulator X; minus strand), LOC130055850 (ATAC-STARR-seq lymphoblastoid silent region 5847; plus strand). Cytogenetic location: 14q23.3.
Variant type: single nucleotide variant.
Coding change: c.19A>T on transcript NM_002382.5 (MANE Select); coding-DNA position 19, A replaced by T.
Protein change: p.Ile7Phe; replaces isoleucine 7 with phenylalanine.
Molecular consequence: missense variant. On other transcripts: 5 prime UTR variant (1).
Genome position (GRCh38, 1-based): chr14:65,102,321, T>A on the plus strand (A>T on the coding strand, the complement: MAX is on the minus strand). VCF-style: chr14-65102321-T-A. GRCh37 (hg19) VCF-style: chr14-65569039-T-A.
Other names: c.19A>T, p.Ile7Phe (NM_001271068.2, NM_001271069.2, NM_001407094.1 and 18 more transcripts); c.-256A>T (NM_001320415.2); c.-229A>T (NM_001407107.1); short protein forms I7F.
Identifiers: ClinVar variation 1784150 (VCV001784150.2), dbSNP rs2504532238, ClinGen allele CA390038984.